The following is an entry in ClinVar:

ClinVar aggregate classification (germline): Conflicting classifications of pathogenicity. Review status: criteria provided, conflicting classifications (1 of 4 stars). 3 submissions from 3 submitters: Pathogenic (2); Uncertain significance (1). Last evaluated 2026-06-03.

Conditions:
MLH3-related disorder. Also called: MLH3-related condition.
Colorectal cancer, hereditary nonpolyposis, type 7. Identifiers: Orphanet 144, MedGen C1858380, MONDO:0013725, OMIM 614385.

Submissions (3):

Ambry Genetics
Classification: Pathogenic. Last evaluated: 2026-06-03. Review status: criteria provided, single submitter. Criteria: Ambry Variant Classification Scheme 2023. Collection method: clinical testing. Allele origin: germline.
Comment: The c.1788_1803dup16 variant, located in coding exon 1 of the MLH3 gene, results from a duplication of TAGTTATGGGCGAGTT at nucleotide position 1788, causing a translational frameshift with a predicted alternate stop codon (p.K602*). This variant is considered to be rare based on population cohorts in the Genome Aggregation Database (gnomAD). This alteration is expected to result in loss of function by premature protein truncation or nonsense-mediated mRNA decay. As such, this alteration is interpreted as a disease-causing mutation.

Myriad Genetics, Inc.
Classification: Pathogenic for Colorectal cancer, hereditary nonpolyposis, type 7. Last evaluated: 2026-02-10. Review status: criteria provided, single submitter. Criteria: Myriad Autosomal Dominant, Autosomal Recessive and X-Linked Classification Criteria (2023). Collection method: clinical testing. Allele origin: unknown.
Comment: This variant is considered pathogenic. This variant creates a termination codon and is predicted to result in premature protein truncation.

PreventionGenetics, part of Exact Sciences
Classification: Uncertain significance for MLH3-related condition. Last evaluated: 2023-05-04. Review status: criteria provided, single submitter. Criteria: ACMG Guidelines, 2015. Collection method: clinical testing. Allele origin: germline.
Comment: The MLH3 c.1788_1803dup16 variant is predicted to result in premature protein termination (p.Lys602*). To our knowledge, this variant has not been reported in the literature. This variant is reported in 2 of ~281,000 alleles in gnomAD. Loss of function is not an established mechanism of MLH3-related disease. Although we suspect that this variant may be pathogenic, at this time, the clinical significance of this variant is uncertain due to the absence of conclusive functional and genetic evidence.

NM_001040108.2(MLH3):c.1788_1803dup (p.Lys602Ter)

Gene: MLH3 (mutL homolog 3; minus strand). Cytogenetic location: 14q24.3.
Variant type: Duplication.
Coding change: c.1788_1803dup on transcript NM_001040108.2 (MANE Select); coding-DNA positions 1788 to 1803, 16 bases duplicated (TAGTTATGGGCGAGTT).
Protein change: p.Lys602Ter; replaces lysine 602 with a stop codon.
Molecular consequence: nonsense. On other transcripts: frameshift variant (1).
Genome position (GRCh38, 1-based): chr14:75,047,853-75,047,868, AACTCGCCCATAACTA duplicated on the plus strand (TAGTTATGGGCGAGTT on the coding strand, the reverse complement: MLH3 is on the minus strand); duplicating any 16 consecutive bases within chr14:75,047,853-75,047,870 gives the same sequence; the c. name uses the placement nearest the transcript's 3' end. VCF-style (leftmost placement, unchanged base first): chr14-75047852-T-TAACTCGCCCATAACTA. GRCh37 (hg19) VCF-style: chr14-75514555-T-TAACTCGCCCATAACTA.
Other names: c.1788_1803dup, p.Lys602Ter (NM_014381.3); c.1788_1803dup16 (NM_001040108.1); c.1788_1803dupTAGTTATGGGCGAGTT (NM_001040108.1); short protein forms K602*.
Identifiers: ClinVar variation 2561662 (VCV002561662.6), dbSNP rs1237115673, ClinGen allele CA487273363.